The following is an entry in ClinVar:

ClinVar aggregate classification (germline): Uncertain significance (1 of 4 stars; one submission).

Conditions:
VWF-related disorder. Also called: VWF-related disorders; VWF-related condition.

Allele frequency attached by ClinVar (database versions not stated): TOPMed below 0.00001.

Submission:

PreventionGenetics, part of Exact Sciences
Classification: Uncertain significance for VWF-related condition. Last evaluated: 2022-12-05. Review status: criteria provided, single submitter. Criteria: ACMG Guidelines, 2015. Collection method: clinical testing. Allele origin: germline.
Comment: The VWF c.5600T>C variant is predicted to result in the amino acid substitution p.Phe1867Ser. To our knowledge, this variant has not been reported in the literature or in a large population database, indicating this variant is rare. At this time, the clinical significance of this variant is uncertain due to the absence of conclusive functional and genetic evidence.

NM_000552.5(VWF):c.5600T>C (p.Phe1867Ser)

Gene: VWF (von Willebrand factor; minus strand). Cytogenetic location: 12p13.31.
Variant type: single nucleotide variant.
Coding change: c.5600T>C on transcript NM_000552.5 (MANE Select); coding-DNA position 5600, T replaced by C.
Protein change: p.Phe1867Ser; replaces phenylalanine 1867 with serine.
Molecular consequence: missense variant.
Genome position (GRCh38, 1-based): chr12:6,013,501, A>G on the plus strand (T>C on the coding strand, the complement: VWF is on the minus strand). VCF-style: chr12-6013501-A-G. GRCh37 (hg19) VCF-style: chr12-6122667-A-G.
Other names: short protein forms F1867S.
Identifiers: ClinVar variation 2635118 (VCV002635118.1), dbSNP rs200461577, ClinGen allele CA232293272.